The following is an entry in ClinVar:

NM_003803.4(MYOM1):c.1213A>T (p.Ile405Phe)

Gene: MYOM1 (myomesin 1; minus strand). Cytogenetic location: 18p11.31.
Variant type: single nucleotide variant.
Coding change: c.1213A>T on transcript NM_003803.4 (MANE Select); coding-DNA position 1213, A replaced by T.
Protein change: p.Ile405Phe; replaces isoleucine 405 with phenylalanine.
Molecular consequence: missense variant.
Genome position (GRCh38, 1-based): chr18:3,168,943, T>A on the plus strand (A>T on the coding strand, the complement: MYOM1 is on the minus strand). VCF-style: chr18-3168943-T-A. GRCh37 (hg19) VCF-style: chr18-3168941-T-A.
Other names: c.1213A>T, p.Ile405Phe (NM_019856.2); short protein forms I405F.
Identifiers: ClinVar variation 1404425 (VCV001404425.6), dbSNP rs2144068407, ClinGen allele CA401715382.

ClinVar aggregate classification (germline): Uncertain significance (1 of 4 stars; one submission).

Conditions:
Hypertrophic cardiomyopathy. Also called: HYPERTROPHIC MYOCARDIOPATHY. Identifiers: Orphanet 217569, MedGen C0007194, MeSH D002312, MONDO:0005045, HP:0001639.

Submission:

Labcorp Genetics (formerly Invitae), Labcorp
Classification: Uncertain significance for Hypertrophic cardiomyopathy. Last evaluated: 2025-06-12. Review status: criteria provided, single submitter. Criteria: Invitae Variant Classification Sherloc (09022015). Collection method: clinical testing. Allele origin: germline.
Comment: This sequence change replaces isoleucine, which is neutral and non-polar, with phenylalanine, which is neutral and non-polar, at codon 405 of the MYOM1 protein (p.Ile405Phe). This variant is not present in population databases (gnomAD no frequency). This variant has not been reported in the literature in individuals affected with MYOM1-related conditions. ClinVar contains an entry for this variant (Variation ID: 1404425). Invitae Evidence Modeling of protein sequence and biophysical properties (such as structural, functional, and spatial information, amino acid conservation, physicochemical variation, residue mobility, and thermodynamic stability) indicates that this missense variant is not expected to disrupt MYOM1 protein function with a negative predictive value of 80%. In summary, the available evidence is currently insufficient to determine the role of this variant in disease. Therefore, it has been classified as a Variant of Uncertain Significance.